The following is an entry in ClinVar:

ClinVar aggregate classification (germline): Uncertain significance (1 of 4 stars; one submission).

Conditions:
Hereditary cancer-predisposing syndrome. Also called: Tumor predisposition; Neoplastic Syndromes, Hereditary; Hereditary Cancer Syndrome; Hereditary neoplastic syndrome. Identifiers: Orphanet 140162, MedGen C0027672, MeSH D009386, MONDO:0015356.

Submission:

Ambry Genetics
Classification: Uncertain significance for Hereditary cancer-predisposing syndrome. Last evaluated: 2021-08-21. Review status: criteria provided, single submitter. Criteria: Ambry Variant Classification Scheme 2023. Collection method: clinical testing. Allele origin: germline.
Comment: The p.D1074E variant (also known as c.3222T>G), located in coding exon 22 of the PDGFRA gene, results from a T to G substitution at nucleotide position 3222. The aspartic acid at codon 1074 is replaced by glutamic acid, an amino acid with highly similar properties. This amino acid position is conserved. In addition, this alteration is predicted to be tolerated by in silico analysis. Since supporting evidence is limited at this time, the clinical significance of this alteration remains unclear.

NM_006206.6(PDGFRA):c.3222T>G (p.Asp1074Glu)

Gene: PDGFRA (platelet derived growth factor receptor alpha; plus strand). Cytogenetic location: 4q12.
Variant type: single nucleotide variant.
Coding change: c.3222T>G on transcript NM_006206.6 (MANE Select); coding-DNA position 3222, T replaced by G.
Protein change: p.Asp1074Glu; replaces aspartic acid 1074 with glutamic acid.
Molecular consequence: missense variant.
Genome position (GRCh38, 1-based): chr4:54,295,224, T>G. VCF-style: chr4-54295224-T-G. GRCh37 (hg19) VCF-style: chr4-55161391-T-G.
Other names: c.3297T>G, p.Asp1099Glu (NM_001347828.2); c.3222T>G, p.Asp1074Glu (NM_001347829.2); c.3261T>G, p.Asp1087Glu (NM_001347830.2); short protein forms D1074E, D1087E, D1099E.
Identifiers: ClinVar variation 1729098 (VCV001729098.2), dbSNP rs7685117, ClinGen allele CA356896664.
Genomic context (GRCh38, chr4:54,295,224, plus strand): 5'-CAGCAGTTCCACCTTCATCAAGAGAGAGGACGAGACCATTGAAGACATCGACATGATGGA[T>G]GACATCGGCATAGACTCTTCAGACCTGGTGGAAGACAGCTTCCTGTAACTGGCGGATTCG-3'
Protein context (NP_006197.1, residues 1064-1084): DETIEDIDMM[Asp1074Glu]DIGIDSSDLV